The following is an entry in ClinVar:

ClinVar aggregate classification (germline): Uncertain significance (1 of 4 stars; one submission).

Submission:

Labcorp Genetics (formerly Invitae), Labcorp
Classification: Uncertain significance. Last evaluated: 2022-12-24. Review status: criteria provided, single submitter. Criteria: Invitae Variant Classification Sherloc (09022015). Collection method: clinical testing. Allele origin: germline.
Comment: This variant is not present in population databases (gnomAD no frequency). This sequence change replaces threonine, which is neutral and polar, with serine, which is neutral and polar, at codon 10 of the NTHL1 protein (p.Thr10Ser). This variant has not been reported in the literature in individuals affected with NTHL1-related conditions. In summary, the available evidence is currently insufficient to determine the role of this variant in disease. Therefore, it has been classified as a Variant of Uncertain Significance. Algorithms developed to predict the effect of missense changes on protein structure and function output the following: SIFT: "Not Available"; PolyPhen-2: "Benign"; Align-GVGD: "Not Available". The serine amino acid residue is found in multiple mammalian species, which suggests that this missense change does not adversely affect protein function.

NM_002528.7(NTHL1):c.4A>T (p.Thr2Ser)

Gene: NTHL1 (nth like DNA glycosylase 1; minus strand). Cytogenetic location: 16p13.3.
Variant type: single nucleotide variant.
Coding change: c.4A>T on transcript NM_002528.7 (MANE Select); coding-DNA position 4, A replaced by T.
Protein change: p.Thr2Ser; replaces threonine 2 with serine.
Molecular consequence: missense variant. On other transcripts: 5 prime UTR variant (1).
Genome position (GRCh38, 1-based): chr16:2,047,820, T>A on the plus strand (A>T on the coding strand, the complement: NTHL1 is on the minus strand). VCF-style: chr16-2047820-T-A. GRCh37 (hg19) VCF-style: chr16-2097821-T-A.
Other names: c.4A>T, p.Thr2Ser (NM_001318193.2); c.-175A>T (NM_001318194.2); short protein forms T2S.
Identifiers: ClinVar variation 2823137 (VCV002823137.3), dbSNP rs1346158495, ClinGen allele CA394298710.